The following is an entry in ClinVar:

NM_000153.4(GALC):c.788C>G (p.Ala263Gly)

Gene: GALC (galactosylceramidase; minus strand). Cytogenetic location: 14q31.3.
Variant type: single nucleotide variant.
Coding change: c.788C>G on transcript NM_000153.4 (MANE Select); coding-DNA position 788, C replaced by G.
Protein change: p.Ala263Gly; replaces alanine 263 with glycine.
Molecular consequence: missense variant.
Genome position (GRCh38, 1-based): chr14:87,968,455, G>C on the plus strand (C>G on the coding strand, the complement: GALC is on the minus strand). VCF-style: chr14-87968455-G-C. GRCh37 (hg19) VCF-style: chr14-88434799-G-C.
Other names: c.719C>G, p.Ala240Gly (NM_001201401.2); c.710C>G, p.Ala237Gly (NM_001201402.2); short protein forms A263G, A240G, A237G.
Identifiers: ClinVar variation 546426 (VCV000546426.3), dbSNP rs1292976689, ClinGen allele CA390748129.

ClinVar aggregate classification (germline): Uncertain significance. Review status: criteria provided, single submitter (1 of 4 stars). 2 submissions from 2 submitters: Uncertain significance (1). 1 of the submissions does not count toward it. Last evaluated 2018-05-23.

Conditions:
Galactosylceramide beta-galactosidase deficiency. Also called: GALACTOCEREBROSIDASE DEFICIENCY; GALC DEFICIENCY; GLOBOID CELL LEUKOENCEPHALOPATHY; Leukodystrophy, Globoid Cell; Krabbe Disease. Identifiers: Orphanet 487, MedGen C0023521, MONDO:0009499, OMIM 245200.

Allele frequency attached by ClinVar (database versions not stated): gnomAD exomes below 0.00001; gnomAD 0.00001.
gnomAD v4.1: 2 of 1,613,596 alleles (0.00012%); highest among the groups gnomAD compares: Non-Finnish European, 0.00017%; no homozygotes.

Submissions (2):

GeneDx
Classification: Uncertain significance. Last evaluated: 2018-05-23. Review status: criteria provided, single submitter. Criteria: GeneDx Variant Classification (06012015). Collection method: clinical testing. Allele origin: germline. Affected: yes.
Comment: The A263G variant has not been published as a pathogenic variant, nor has it been reported as a benign variant to our knowledge. The A263G variant is not observed at a significant frequency in large population cohorts (Lek et al., 2016). The A263G variant is a conservative amino acid substitution, which is not likely to impact secondary protein structure as these residues share similar properties. In-silico analyses, including protein predictors and evolutionary conservation, support a deleterious effect. A different missense variant at the same residue (A263T) has been reported in association with Krabbe disease (Wenger et al. 1997; Saavedra-Matiz et al., 2016), supporting the functional importance of this region of the protein. In summary, based on the currently available information, it is unclear whether A263G is a pathogenic variant or a rare benign variant.

Natera, Inc.
Classification: Uncertain significance for Galactosylceramide beta-galactosidase deficiency. Last evaluated: 2020-10-09. Review status: no assertion criteria provided. Collection method: clinical testing. Allele origin: germline. Not counted in ClinVar's aggregate classification.